The following is an entry in ClinVar:

ClinVar aggregate classification (germline): Pathogenic/Likely pathogenic. Review status: criteria provided, multiple submitters, no conflicts (2 of 4 stars). 7 submissions from 7 submitters: Pathogenic (2); Likely pathogenic (5). Last evaluated 2026-04-15.

Conditions:
Vitamin D-dependent rickets type II with alopecia (VDDR2A). Also called: Vitamin D-dependent rickets, type 2A; GENERALIZED RESISTANCE TO 1,25-DIHYDROXYVITAMIN D; HYPOCALCEMIC VITAMIN D-RESISTANT RICKETS; PDDR IIA; PSEUDOVITAMIN D-DEFICIENCY, TYPE IIA; RICKETS, HEREDITARY VITAMIN D-RESISTANT. Identifiers: Orphanet 93160, MedGen C0342646, MONDO:0010186, OMIM 277440.
Rickets. Also called: Vitamin-D deficiency rickets; Nutritional rickets; Hypovitaminosis D; Vitamin D deficiency disease. Identifiers: MedGen C0035579, MONDO:0005520, HP:0002748.

Allele frequency attached by ClinVar (database versions not stated): gnomAD exomes below 0.00001.
gnomAD v4.1: 3 of 1,614,136 alleles (0.00019%); highest among the groups gnomAD compares: South Asian, 0.0011%; no homozygotes.

Submissions (7):

Women's Health and Genetics/Laboratory Corporation of America, LabCorp
Classification: Pathogenic for Vitamin D-dependent rickets type II with alopecia. Last evaluated: 2026-04-15. Review status: criteria provided, single submitter. Criteria: LabCorp Variant Classification Summary - May 2015. Collection method: clinical testing. Allele origin: germline.
Comment: Variant summary: VDR c.821G>A (p.Arg274His) results in a non-conservative amino acid change in the encoded protein sequence. Algorithms developed to predict the effect of missense changes on protein structure and function all suggest that this variant is likely to be disruptive. The variant was absent in 251492 control chromosomes. c.821G>A has been observed in multiple homozygous or compound heterozygous individuals affected with Vitamin D-Dependent Rickets Type II With or Without Alopecia (e.g. Aljubeh_2011, Brar_2017, Marik_2022). These data indicate that the variant is very likely to be associated with disease. At least one publication reports experimental evidence evaluating an impact on protein function (Aljubeh_2011). The most pronounced variant effect results in <10% of normal activity. The following publications have been ascertained in the context of this evaluation (PMID: 22145479, 28620554, 35738466). ClinVar contains an entry for this variant (Variation ID: 915348). Based on the evidence outlined above, the variant was classified as pathogenic.

GeneDx
Classification: Likely pathogenic. Last evaluated: 2024-11-27. Review status: criteria provided, single submitter. Criteria: GeneDx Variant Classification Process June 2021. Collection method: clinical testing. Allele origin: germline. Affected: yes.
Comment: Published functional studies suggest that this variant results in impaired mitotic chromatin binding and defective transactivation activity (PMID: 22145479, 36396100); Not observed at significant frequency in large population cohorts (gnomAD); In silico analysis supports that this missense variant has a deleterious effect on protein structure/function; This variant is associated with the following publications: (PMID: 24818002, 35738466, 36246927, 24246681, 29949513, 36396100, 22145479, 28620554)

Dubai Health Genomic Medicine Center, Dubai Health
Classification: Likely pathogenic for Rickets. Last evaluated: 2024-10-04. Review status: criteria provided, single submitter. Criteria: ACMG Guidelines, 2015. Collection method: research. Allele origin: germline. Affected: yes.
Comment: PM3strong,PM2,PP3,PP4

Dr.Nikuei Genetic Center
Classification: Pathogenic for Vitamin D-dependent rickets type II with alopecia. Last evaluated: 2024-07-10. Review status: criteria provided, single submitter. Criteria: ACMG Guidelines, 2015. Collection method: clinical testing. Allele origin: germline. Affected: yes.

Labcorp Genetics (formerly Invitae), Labcorp
Classification: Likely pathogenic. Last evaluated: 2024-02-16. Review status: criteria provided, single submitter. Criteria: Invitae Variant Classification Sherloc (09022015). Collection method: clinical testing. Allele origin: germline.
Comment: This sequence change replaces arginine, which is basic and polar, with histidine, which is basic and polar, at codon 274 of the VDR protein (p.Arg274His). This variant is not present in population databases (gnomAD no frequency). This missense change has been observed in individual(s) with clinical features of autosomal recessive vitamin D-dependent rickets (PMID: 22145479, 28620554, 35738466). ClinVar contains an entry for this variant (Variation ID: 915348). Advanced modeling of protein sequence and biophysical properties (such as structural, functional, and spatial information, amino acid conservation, physicochemical variation, residue mobility, and thermodynamic stability) performed at Invitae indicates that this missense variant is not expected to disrupt VDR protein function with a negative predictive value of 80%. Experimental studies have shown that this missense change affects VDR function (PMID: 22145479). This variant disrupts the p.Arg274 amino acid residue in VDR. Other variant(s) that disrupt this residue have been observed in individuals with VDR-related conditions (PMID: 8392085), which suggests that this may be a clinically significant amino acid residue. In summary, the currently available evidence indicates that the variant is pathogenic, but additional data are needed to prove that conclusively. Therefore, this variant has been classified as Likely Pathogenic.

Laboratory of Cyto-molecular Genetics, Department of Anatomy, All India Institute of Medical Sciences (AIIMS), New Delhi
Classification: Likely pathogenic for Vitamin D-dependent rickets type II with alopecia. Last evaluated: 2022-03-07. Review status: criteria provided, single submitter. Criteria: ACMG Guidelines, 2015. Collection method: clinical testing. Allele origin: germline. Affected: yes. Observed: 3 variant alleles.
Comment: p.(Arg274His), missense variant

Genomic Research Center, Shahid Beheshti University of Medical Sciences
Classification: Likely pathogenic. Last evaluated: 2020-05-03. Review status: criteria provided, single submitter. Criteria: ACMG Guidelines, 2015. Collection method: clinical testing. Allele origin: unknown. Affected: yes.

Literature cited by the submitters: PubMed 35738466 (cited by 3 submitters); PubMed 22145479 (cited by Women's Health and Genetics/Laboratory Corporation of America, LabCorp and Labcorp Genetics (formerly Invitae), Labcorp); PubMed 28620554 (cited by Women's Health and Genetics/Laboratory Corporation of America, LabCorp and Labcorp Genetics (formerly Invitae), Labcorp); PubMed 8392085 (cited by Labcorp Genetics (formerly Invitae), Labcorp).

NM_000376.3(VDR):c.821G>A (p.Arg274His)

Gene: VDR (vitamin D receptor; minus strand). Cytogenetic location: 12q13.11.
Variant type: single nucleotide variant.
Coding change: c.821G>A on transcript NM_000376.3 (MANE Select); coding-DNA position 821, G replaced by A.
Protein change: p.Arg274His; replaces arginine 274 with histidine.
Molecular consequence: missense variant.
Genome position (GRCh38, 1-based): chr12:47,846,743, C>T on the plus strand (G>A on the coding strand, the complement: VDR is on the minus strand). VCF-style: chr12-47846743-C-T. GRCh37 (hg19) VCF-style: chr12-48240526-C-T.
Other names: c.821G>A, p.Arg274His (NM_001017535.2, NM_001364085.2, NM_001374661.1 and 1 more transcripts); c.971G>A, p.Arg324His (NM_001017536.2); short protein forms R324H, R274H.
Identifiers: ClinVar variation 915348 (VCV000915348.13), dbSNP rs121909796, ClinGen allele CA384516583.